The following is an entry in ClinVar:

NM_001146227.3(RPS20):c.411G>A (p.Pro137=)

Gene: RPS20 (ribosomal protein S20; minus strand). Cytogenetic location: 8q12.1.
Variant type: single nucleotide variant.
Coding change: c.411G>A on transcript NM_001146227.3; coding-DNA position 411, G replaced by A.
Protein change: p.Pro137=; no amino-acid change (proline 137 retained).
Molecular consequence: synonymous variant.
Genome position (GRCh38, 1-based): chr8:56,069,756, C>T on the plus strand (G>A on the coding strand, the complement: RPS20 is on the minus strand). VCF-style: chr8-56069756-C-T. GRCh37 (hg19) VCF-style: chr8-56982315-C-T.
Identifiers: ClinVar variation 5042157 (VCV005042157.1).

ClinVar aggregate classification (germline): Benign (1 of 4 stars; one submission).

Conditions:
Familial colorectal cancer type X. Identifiers: Orphanet 440437, MedGen C3896578, MONDO:0018604.

gnomAD v4.1: 97 of 1,551,530 alleles (0.0063%); highest among the groups gnomAD compares: African/African-American, 0.027%; no homozygotes.

Submission:

Myriad Genetics, Inc.
Classification: Benign for Familial colorectal cancer type X. Last evaluated: 2026-08-04. Review status: criteria provided, single submitter. Criteria: Myriad Autosomal Dominant, Autosomal Recessive and X-Linked Classification Criteria (2023). Collection method: clinical testing. Allele origin: unknown.
Comment: This variant is considered benign. This variant is a silent/synonymous amino acid change and it is not expected to impact splicing.